The following is an entry in ClinVar:

NC_012920.1(MT-ND3):m.10086A>G

Gene: MT-ND3 (mitochondrially encoded NADH dehydrogenase 3; plus strand).
Variant type: single nucleotide variant.
Genome position: chrM-10086-A-G.
Identifiers: ClinVar variation 693260 (VCV000693260.2), dbSNP rs28358274, ClinGen allele CA337098695.

ClinVar aggregate classification (germline): Benign. Review status: criteria provided, multiple submitters, no conflicts (2 of 4 stars). 2 submissions from 2 submitters: Benign (2). Last evaluated 2019-10-17.

Conditions:
Leigh syndrome (NULS). Also called: Leigh's necrotizing encephalopathy; Leigh's disease; Leigh Syndrome (mtDNA deletion); Leigh Disease; Subacute necrotizing encephalopathy; Necrotizing encephalopathy infantile subacute of Leigh. Identifiers: Orphanet 506, MedGen C2931891, MONDO:0009723, OMIM 256000.

Submissions (2):

Wong Mito Lab, Molecular and Human Genetics, Baylor College of Medicine
Classification: Benign for Leigh syndrome. Last evaluated: 2019-10-17. Review status: criteria provided, single submitter. Criteria: Modified ACMG Guidelines (Unpublished). Collection method: clinical testing. Allele origin: germline.
Comment: The NC_012920.1:m.10086A>G (YP_003024033.1:p.Asn10Asp) variant in MTND3 gene is interpretated to be a Benign variant based on the modified ACMG guidelines (unpublished). This variant meets the following evidence codes: BA1

Breakthrough Genomics
Classification: Benign. Review status: criteria provided, single submitter. Criteria: ACMG Guidelines, 2015. Collection method: not provided. Allele origin: germline. Inheritance: Unknown mechanism. Affected: yes.